The following is an entry in ClinVar:

NM_013266.4(CTNNA3):c.1047+3A>G

Gene: CTNNA3 (catenin alpha 3; minus strand). Cytogenetic location: 10q21.3.
Variant type: single nucleotide variant.
Coding change: c.1047+3A>G on transcript NM_013266.4 (MANE Select); 3 bases into the intron after coding-DNA position 1047, A replaced by G.
Molecular consequence: intron variant.
Genome position (GRCh38, 1-based): chr10:67,180,314, T>C on the plus strand (A>G on the coding strand, the complement: CTNNA3 is on the minus strand). VCF-style: chr10-67180314-T-C. GRCh37 (hg19) VCF-style: chr10-68940072-T-C.
Other names: c.1047+3A>G (NM_001127384.3); c.1083+3A>G (NM_001291133.2).
Identifiers: ClinVar variation 2017191 (VCV002017191.4), dbSNP rs762184094, ClinGen allele CA5520417.

ClinVar aggregate classification (germline): Uncertain significance (1 of 4 stars; one submission).

Conditions:
Arrhythmogenic right ventricular dysplasia 13. Also called: ARRHYTHMOGENIC RIGHT VENTRICULAR CARDIOMYOPATHY 13; Arrhythmogenic right ventricular dysplasia, familial, 13. Identifiers: MedGen C3810138, MONDO:0000908, OMIM 615616.

Allele frequency attached by ClinVar (database versions not stated): gnomAD exomes below 0.00001; ExAC 0.00001.
gnomAD v4.1: 6 of 1,612,920 alleles (0.00037%); highest among the groups gnomAD compares: Non-Finnish European, 0.00051%; no homozygotes.

Submission:

Labcorp Genetics (formerly Invitae), Labcorp
Classification: Uncertain significance for Arrhythmogenic right ventricular dysplasia 13. Last evaluated: 2023-10-18. Review status: criteria provided, single submitter. Criteria: Invitae Variant Classification Sherloc (09022015). Collection method: clinical testing. Allele origin: germline.
Comment: This sequence change falls in intron 7 of the CTNNA3 gene. It does not directly change the encoded amino acid sequence of the CTNNA3 protein. It affects a nucleotide within the consensus splice site. This variant is present in population databases (rs762184094, gnomAD 0.0009%). This variant has not been reported in the literature in individuals affected with CTNNA3-related conditions. ClinVar contains an entry for this variant (Variation ID: 2017191). Variants that disrupt the consensus splice site are a relatively common cause of aberrant splicing (PMID: 17576681, 9536098). Algorithms developed to predict the effect of sequence changes on RNA splicing suggest that this variant is not likely to affect RNA splicing. In summary, the available evidence is currently insufficient to determine the role of this variant in disease. Therefore, it has been classified as a Variant of Uncertain Significance.

Literature cited by the submitters: PubMed 17576681; PubMed 9536098.